The following is an entry in ClinVar:

NM_005918.4(MDH2):c.326C>T (p.Thr109Ile)

Gene: MDH2 (malate dehydrogenase 2; plus strand). Cytogenetic location: 7q11.23.
Variant type: single nucleotide variant.
Coding change: c.326C>T on transcript NM_005918.4 (MANE Select); coding-DNA position 326, C replaced by T.
Protein change: p.Thr109Ile; replaces threonine 109 with isoleucine.
Molecular consequence: missense variant.
Genome position (GRCh38, 1-based): chr7:76,057,975, C>T. VCF-style: chr7-76057975-C-T. GRCh37 (hg19) VCF-style: chr7-75687293-C-T.
Other names: c.326C>T, p.Thr109Ile (NM_001282403.2); c.5C>T, p.Thr2Ile (NM_001282404.2); short protein forms T109I, T2I.
Identifiers: ClinVar variation 1484533 (VCV001484533.6), dbSNP rs945331698, ClinGen allele CA160909088.
Genomic context (GRCh38, chr7:76,057,975, plus strand): 5'-TGTCTGGAAATTTGTGGTGTTCTCTGTTAACATCTCATATTGGATCATTTCCAGGCATGA[C>T]CCGGGACGACCTGTTCAACACCAATGCCACGATTGTGGCCACCCTGACCGCTGCCTGTGC-3'
Protein context (NP_005909.2, residues 99-119): PAGVPRKPGM[Thr109Ile]RDDLFNTNAT

ClinVar aggregate classification (germline): Uncertain significance (1 of 4 stars; one submission).

Allele frequency attached by ClinVar (database versions not stated): gnomAD exomes below 0.00001.
gnomAD v4.1: 1 of 1,613,948 alleles (0.000062%); highest among the groups gnomAD compares: African/African-American, 0.0013%; no homozygotes.

Submission:

Labcorp Genetics (formerly Invitae), Labcorp
Classification: Uncertain significance. Last evaluated: 2021-07-31. Review status: criteria provided, single submitter. Criteria: Invitae Variant Classification Sherloc (09022015). Collection method: clinical testing. Allele origin: germline.
Comment: This sequence change replaces threonine with isoleucine at codon 109 of the MDH2 protein (p.Thr109Ile). The threonine residue is highly conserved and there is a moderate physicochemical difference between threonine and isoleucine. In summary, the available evidence is currently insufficient to determine the role of this variant in disease. Therefore, it has been classified as a Variant of Uncertain Significance. Algorithms developed to predict the effect of missense changes on protein structure and function (SIFT, PolyPhen-2, Align-GVGD) all suggest that this variant is likely to be disruptive. This variant has not been reported in the literature in individuals affected with MDH2-related conditions. This variant is not present in population databases (ExAC no frequency).